The following is an entry in ClinVar:

NM_182914.3(SYNE2):c.2857A>G (p.Ile953Val)

Gene: SYNE2 (spectrin repeat containing nuclear envelope protein 2; plus strand). Cytogenetic location: 14q23.2.
Variant type: single nucleotide variant.
Coding change: c.2857A>G on transcript NM_182914.3 (MANE Select); coding-DNA position 2857, A replaced by G.
Protein change: p.Ile953Val; replaces isoleucine 953 with valine.
Molecular consequence: missense variant.
Genome position (GRCh38, 1-based): chr14:63,995,119, A>G. VCF-style: chr14-63995119-A-G. GRCh37 (hg19) VCF-style: chr14-64461837-A-G.
Other names: c.2857A>G, p.Ile953Val (NM_015180.6); short protein forms I953V.
Identifiers: ClinVar variation 944326 (VCV000944326.9), dbSNP rs2096703120, ClinGen allele CA389984009.

ClinVar aggregate classification (germline): Uncertain significance (1 of 4 stars; one submission).

Conditions:
Emery-Dreifuss muscular dystrophy 5, autosomal dominant (EDMD5). Also called: EMERY-DREIFUSS MUSCULAR DYSTROPHY 5. Identifiers: Orphanet 261, MedGen C2751805, MONDO:0013072, OMIM 612999.

Allele frequency attached by ClinVar (database versions not stated): TOPMed 0.00001.

Submission:

Labcorp Genetics (formerly Invitae), Labcorp
Classification: Uncertain significance for Emery-Dreifuss muscular dystrophy 5, autosomal dominant. Last evaluated: 2019-06-17. Review status: criteria provided, single submitter. Criteria: Invitae Variant Classification Sherloc (09022015). Collection method: clinical testing. Allele origin: germline.
Comment: This sequence change replaces isoleucine with valine at codon 953 of the SYNE2 protein (p.Ile953Val). The isoleucine residue is weakly conserved and there is a small physicochemical difference between isoleucine and valine. This variant is not present in population databases (ExAC no frequency). This variant has not been reported in the literature in individuals with SYNE2-related conditions. Algorithms developed to predict the effect of missense changes on protein structure and function are either unavailable or do not agree on the potential impact of this missense change (SIFT: "Tolerated"; PolyPhen-2: "Probably Damaging"; Align-GVGD: "Class C0"). In summary, the available evidence is currently insufficient to determine the role of this variant in disease. Therefore, it has been classified as a Variant of Uncertain Significance.